The following is an entry in ClinVar:

NM_000152.5(GAA):c.1642G>T (p.Val548Phe)

Gene: GAA (alpha glucosidase; plus strand). Cytogenetic location: 17q25.3.
Variant type: single nucleotide variant.
Coding change: c.1642G>T on transcript NM_000152.5 (MANE Select); coding-DNA position 1642, G replaced by T.
Protein change: p.Val548Phe; replaces valine 548 with phenylalanine.
Molecular consequence: missense variant.
Genome position (GRCh38, 1-based): chr17:80,111,988, G>T. VCF-style: chr17-80111988-G-T. GRCh37 (hg19) VCF-style: chr17-78085787-G-T.
Other names: NM_000152.5(GAA):c.1642G>T; p.Val548Phe; c.1642G>T (LRG_673t1, NM_000152.4); c.1642G>T, p.Val548Phe (NM_001079803.3, NM_001079804.3); short protein forms V548F.
Identifiers: ClinVar variation 597381 (VCV000597381.22), dbSNP rs1567834141, ClinGen allele CA401368744.

ClinVar aggregate classification (germline): Likely benign. Review status: reviewed by expert panel (3 of 4 stars). 8 submissions from 8 submitters: Likely benign (1). 7 of the submissions do not count toward it. Last evaluated 2025-06-03.

Conditions:
GAA-related disorder. Also called: GAA-related condition.
Glycogen storage disease, type II (IOPD). Also called: Glucosidase acid-1,4-alpha deficiency; CARDIOMEGALIA GLYCOGENICA DIFFUSA; GLYCOGENOSIS, GENERALIZED, CARDIAC FORM; GSD II; Pompe Disease; POMPE DISEASE, INFANTILE-ONSET. Identifiers: Orphanet 365, MedGen C0017921, MONDO:0009290, OMIM 232300.

Submissions (8):

ClinGen Lysosomal Storage Disorder Variant Curation Expert Panel
Classification: Likely benign for Glycogen storage disease, type II. Last evaluated: 2025-06-03. Review status: reviewed by expert panel. Criteria: clingen_lsd_acmg_specifications_v2-1. Collection method: curation. Allele origin: germline. Inheritance: Autosomal recessive inheritance.
Comment: The NM_000152.5:c.1642G>T variant in GAA is a missense variant predicted to cause substitution of valine by phenylalanine at amino acid 548 (p.Val548Phe). This variant has been observed in cis with the variant c.1880C>T (p.Ser627Phe) (PMID 28763149, ClinVar #000597382.19), which is classified as pathogenic by ClinGen LD VCEP, in two individuals with Pompe disease. The phase of variant was confirmed by parental testing (BP2). The computational predictor REVEL gives a score of 0.269, which is below the threshold of 0.5, evidence that does not predict a damaging effect on GAA function (BP4). This variant is absent in gnomAD v4.1.0, meeting this criterion (PM2_Supporting). Expression of the variant in HEK293 cells resulted in normal activity and processing, indicating that variant does not impact protein function ((unpublished data from the laboratory that published PMID: 36246652) (BS3_supporting). There is a ClinVar entry for this variant (Variation ID: 597381). Although PM2_Supporting is met, this is the only pathogenic criterion that was met. Overall, the evidence indicates that this variant is likely benign (BS3_Supporting, BP2, BP4) and thus the ClinGen LD VCEP classified this variant as likely benign. GAA-specific ACMG/AMP criteria met, based on the specifications of the ClinGen Lysosomal Diseases VCEP (Specifications Version 2.0): BS3_supporting, BP2, BP4, PM2_Supporting. (Classification approved by the ClinGen Lysosomal Diseases Variant Curation Expert Panel on June 3, 2025)

Genomenon, Inc
Classification: Likely benign for Glycogen storage disease, type II. Last evaluated: 2026-07-01. Review status: criteria provided, single submitter. Criteria: Genomenon Sequence Variant Interpretation Standards - Updated. Collection method: curation. Allele origin: germline. Affected: no. Not counted in ClinVar's aggregate classification.
Comment: GAA p.Val548Phe (c.1642G>T) is a missense variant that changes the amino acid at codon 548 from Valine to Phenylalanine. This variant has been identified in an individual who also harbors a pathogenic variant in the same gene, suggesting that this variant is unlikely to be clinically significant (PMID:31086307). It is absent or not present at a significant frequency in gnomAD. In silico models predict that this variant is not damaging. In conclusion, we classify GAA p.Val548Phe (c.1642G>T) as a likely benign variant.

GeneDx
Classification: Uncertain significance. Last evaluated: 2026-05-05. Review status: criteria provided, single submitter. Criteria: GeneDx Variant Classification Process June 2021. Collection method: clinical testing. Allele origin: germline. Not counted in ClinVar's aggregate classification.
Comment: Not observed at significant frequency in large population cohorts (gnomAD); In silico analysis suggests that this missense variant does not alter protein structure/function; This variant is associated with the following publications: (PMID: 29289479, 23787031, 31193175, 18930676, 31086307, 28763149, 41014101, 31899940, 25139343)

PreventionGenetics, part of Exact Sciences
Classification: Uncertain significance for GAA-related condition. Last evaluated: 2025-03-21. Review status: criteria provided, single submitter. Criteria: ACMG Guidelines, 2015. Collection method: clinical testing. Allele origin: germline. Not counted in ClinVar's aggregate classification.
Comment: The GAA c.1642G>T variant is predicted to result in the amino acid substitution p.Val548Phe. This variant was reported in the compound heterozygous state in several patients with Pompe disease (Desai et al. 2019. PubMed ID: 31193175; Kishnani et al. 2019. PubMed ID: 31086307). However, several patients also carried the c.1880C>T pathogenic variant on the same chromosome (McIntosh et al. 2017. PubMed ID: 28763149, Kishnani et al. 2019. PubMed ID: 31086307, Desai et al. 2019. PubMed ID: 31193175). The c.1642G>T variant has not been reported in a large population database (gnomAD), indicating this variant is rare. At this time, the clinical significance of this variant is uncertain due to the absence of conclusive functional and genetic evidence.

Labcorp Genetics (formerly Invitae), Labcorp
Classification: Uncertain significance for Glycogen storage disease, type II. Last evaluated: 2024-10-15. Review status: criteria provided, single submitter. Criteria: Invitae Variant Classification Sherloc (09022015). Collection method: clinical testing. Allele origin: germline. Not counted in ClinVar's aggregate classification.
Comment: This sequence change replaces valine, which is neutral and non-polar, with phenylalanine, which is neutral and non-polar, at codon 548 of the GAA protein (p.Val548Phe). This variant is not present in population databases (gnomAD no frequency). This missense change has been observed in individual(s) with Pompe disease (PMID: 23787031, 31193175, 31086307). It is often observed on the same chromosome as c.1880C>T (p.Ser627Phe). ClinVar contains an entry for this variant (Variation ID: 597381). Invitae Evidence Modeling of protein sequence and biophysical properties (such as structural, functional, and spatial information, amino acid conservation, physicochemical variation, residue mobility, and thermodynamic stability) indicates that this missense variant is not expected to disrupt GAA protein function with a negative predictive value of 95%. In summary, the available evidence is currently insufficient to determine the role of this variant in disease. Therefore, it has been classified as a Variant of Uncertain Significance.

Revvity Omics, Revvity
Classification: Uncertain significance. Last evaluated: 2023-10-19. Review status: criteria provided, single submitter. Criteria: ACMG Guidelines, 2015. Collection method: clinical testing. Allele origin: germline. Not counted in ClinVar's aggregate classification.

Genome-Nilou Lab
Classification: Uncertain significance for Glycogen storage disease, type II. Last evaluated: 2021-09-05. Review status: criteria provided, single submitter. Criteria: ACMG Guidelines, 2015. Collection method: clinical testing. Allele origin: germline. Affected: no. Not counted in ClinVar's aggregate classification.

Eurofins Ntd Llc (ga)
Classification: Uncertain significance. Last evaluated: 2018-06-08. Review status: criteria provided, single submitter. Criteria: EGL ClinVar v180209 classification definitions. Collection method: clinical testing. Allele origin: germline. Observed: 1 variant allele, 1 heterozygote. Not counted in ClinVar's aggregate classification.

Literature cited by the submitters: PubMed 31086307 (cited by Genomenon, Inc and Labcorp Genetics (formerly Invitae), Labcorp); PubMed 23787031 (cited by Labcorp Genetics (formerly Invitae), Labcorp); PubMed 31193175 (cited by Labcorp Genetics (formerly Invitae), Labcorp).